The following is an entry in ClinVar:

ClinVar aggregate classification (germline): Pathogenic (1 of 4 stars; one submission).

Conditions:
Cardiovascular phenotype. Identifiers: MedGen CN230736.

Submission:

Ambry Genetics
Classification: Pathogenic for Cardiovascular phenotype. Last evaluated: 2026-04-16. Review status: criteria provided, single submitter. Criteria: Ambry Variant Classification Scheme 2023. Collection method: clinical testing. Allele origin: germline.
Comment: The c.8378_8379delGCinsT pathogenic mutation, located in coding exon 23 of the TNXB gene, results from the deletion of two nucleotides and insertion of one nucleotide causing a translational frameshift with a predicted alternate stop codon (p.G2793Vfs*29). This variant is considered to be rare based on population cohorts in the Genome Aggregation Database (gnomAD). This alteration is expected to result in loss of function by premature protein truncation or nonsense-mediated mRNA decay. As such, this alteration is interpreted as a disease-causing mutation.

NM_001365276.2(TNXB):c.8378_8379delinsT (p.Gly2793fs)

Gene: TNXB (tenascin XB; minus strand). Cytogenetic location: 6p21.33.
Variant type: Indel.
Coding change: c.8378_8379delinsT on transcript NM_001365276.2 (MANE Select); coding-DNA positions 8378 to 8379, GC replaced by T.
Protein change: p.Gly2793fs; shifts the reading frame from glycine 2793.
Molecular consequence: frameshift variant.
Genome position (GRCh38, 1-based): chr6:32,055,939-32,055,940, GC replaced by A on the plus strand (GC replaced by T on the coding strand, the reverse complement: TNXB is on the minus strand). VCF-style: chr6-32055939-GC-A. GRCh37 (hg19) VCF-style: chr6-32023716-GC-A.
Other names: c.9119_9120delinsT, p.Gly3040fs (NM_001428335.1); c.8378_8379delinsT, p.Gly2793fs (NM_019105.8); short protein forms G2793fs, G3040fs.
Identifiers: ClinVar variation 4615196 (VCV004615196.2).